The following is an entry in ClinVar:

NM_000199.5(SGSH):c.278A>G (p.Gln93Arg)

Gene: SGSH (N-sulfoglucosamine sulfohydrolase; minus strand). Cytogenetic location: 17q25.3.
Variant type: single nucleotide variant.
Coding change: c.278A>G on transcript NM_000199.5 (MANE Select); coding-DNA position 278, A replaced by G.
Protein change: p.Gln93Arg; replaces glutamine 93 with arginine.
Molecular consequence: missense variant.
Genome position (GRCh38, 1-based): chr17:80,215,110, T>C on the plus strand (A>G on the coding strand, the complement: SGSH is on the minus strand). VCF-style: chr17-80215110-T-C. GRCh37 (hg19) VCF-style: chr17-78188909-T-C.
Other names: c.278A>G, p.Gln93Arg (NM_001352921.3, NM_001352922.2); short protein forms Q93R.
Identifiers: ClinVar variation 856745 (VCV000856745.12), dbSNP rs2041839563, ClinGen allele CA401363882.

ClinVar aggregate classification (germline): Uncertain significance. Review status: criteria provided, multiple submitters, no conflicts (2 of 4 stars). 2 submissions from 2 submitters: Uncertain significance (2). Last evaluated 2021-11-07.

Conditions:
Mucopolysaccharidosis, MPS-III-A (MPS3A). Also called: SANFILIPPO SYNDROME A; SULFAMIDASE DEFICIENCY; Mucopolysaccharidosis, type IIIA; Mucopolysaccharidosis type IIIA (Sanfilippo A); mucopolysaccharidosis type 3A; MPS IIIA (Sanfilippo Syndrome Type A). Identifiers: Orphanet 581, Orphanet 79269, MedGen C0086647, MONDO:0009655, OMIM 252900.

Allele frequency attached by ClinVar (database versions not stated): gnomAD exomes below 0.00001.
gnomAD v4.1: 1 of 1,612,084 alleles (0.000062%); highest among the groups gnomAD compares: Non-Finnish European, 0.000085%; no homozygotes.

Submissions (2):

Genome-Nilou Lab
Classification: Uncertain significance for Mucopolysaccharidosis, MPS-III-A. Last evaluated: 2021-11-07. Review status: criteria provided, single submitter. Criteria: ACMG Guidelines, 2015. Collection method: clinical testing. Allele origin: germline. Affected: no.

Labcorp Genetics (formerly Invitae), Labcorp
Classification: Uncertain significance for Mucopolysaccharidosis, MPS-III-A. Last evaluated: 2019-12-15. Review status: criteria provided, single submitter. Criteria: Invitae Variant Classification Sherloc (09022015). Collection method: clinical testing. Allele origin: germline.
Comment: In summary, the available evidence is currently insufficient to determine the role of this variant in disease. Therefore, it has been classified as a Variant of Uncertain Significance. Algorithms developed to predict the effect of missense changes on protein structure and function are either unavailable or do not agree on the potential impact of this missense change (SIFT: "Deleterious"; PolyPhen-2: "Benign"; Align-GVGD: "Class C35"). This variant has not been reported in the literature in individuals with SGSH-related conditions. This variant is not present in population databases (ExAC no frequency). This sequence change replaces glutamine with arginine at codon 93 of the SGSH protein (p.Gln93Arg). The glutamine residue is highly conserved and there is a small physicochemical difference between glutamine and arginine.